The following is an entry in ClinVar:

NM_001312909.2(FAM111A):c.1676G>A (p.Gly559Asp)

Gene: FAM111A (FAM111 trypsin like peptidase A; plus strand). Cytogenetic location: 11q12.1.
Variant type: single nucleotide variant.
Coding change: c.1676G>A on transcript NM_001312909.2 (MANE Select); coding-DNA position 1676, G replaced by A.
Protein change: p.Gly559Asp; replaces glycine 559 with aspartic acid.
Molecular consequence: missense variant.
Genome position (GRCh38, 1-based): chr11:59,153,344, G>A. VCF-style: chr11-59153344-G-A. GRCh37 (hg19) VCF-style: chr11-58920817-G-A.
Other names: c.1676G>A, p.Gly559Asp (NM_001374851.1, NM_001374852.1, NM_001374853.1 and 29 more transcripts); short protein forms G559D.
Identifiers: ClinVar variation 2990453 (VCV002990453.3), dbSNP rs2496321834, ClinGen allele CA380789683.

ClinVar aggregate classification (germline): Uncertain significance (1 of 4 stars; one submission).

Submission:

Labcorp Genetics (formerly Invitae), Labcorp
Classification: Uncertain significance. Last evaluated: 2023-11-12. Review status: criteria provided, single submitter. Criteria: Invitae Variant Classification Sherloc (09022015). Collection method: clinical testing. Allele origin: germline.
Comment: This sequence change replaces glycine, which is neutral and non-polar, with aspartic acid, which is acidic and polar, at codon 559 of the FAM111A protein (p.Gly559Asp). This variant is not present in population databases (gnomAD no frequency). This variant has not been reported in the literature in individuals affected with FAM111A-related conditions. Advanced modeling of protein sequence and biophysical properties (such as structural, functional, and spatial information, amino acid conservation, physicochemical variation, residue mobility, and thermodynamic stability) performed at Invitae indicates that this missense variant is expected to disrupt FAM111A protein function with a positive predictive value of 80%. In summary, the available evidence is currently insufficient to determine the role of this variant in disease. Therefore, it has been classified as a Variant of Uncertain Significance.